The following is an entry in ClinVar:

NM_015909.4(NBAS):c.164C>A (p.Ala55Glu)

Gene: NBAS (NBAS subunit of NRZ tethering complex; minus strand). Cytogenetic location: 2p24.3.
Variant type: single nucleotide variant.
Coding change: c.164C>A on transcript NM_015909.4 (MANE Select); coding-DNA position 164, C replaced by A.
Protein change: p.Ala55Glu; replaces alanine 55 with glutamic acid.
Molecular consequence: missense variant. On other transcripts: non-coding transcript variant (1).
Genome position (GRCh38, 1-based): chr2:15,558,588, G>T on the plus strand (C>A on the coding strand, the complement: NBAS is on the minus strand). VCF-style: chr2-15558588-G-T. GRCh37 (hg19) VCF-style: chr2-15698712-G-T.
Other names: short protein forms A55E.
Identifiers: ClinVar variation 2130426 (VCV002130426.4), dbSNP rs1573015725, ClinGen allele CA345894517.

ClinVar aggregate classification (germline): Uncertain significance (1 of 4 stars; one submission).

Submission:

Labcorp Genetics (formerly Invitae), Labcorp
Classification: Uncertain significance. Last evaluated: 2022-04-25. Review status: criteria provided, single submitter. Criteria: Invitae Variant Classification Sherloc (09022015). Collection method: clinical testing. Allele origin: germline.
Comment: In summary, the available evidence is currently insufficient to determine the role of this variant in disease. Therefore, it has been classified as a Variant of Uncertain Significance. Algorithms developed to predict the effect of missense changes on protein structure and function (SIFT, PolyPhen-2, Align-GVGD) all suggest that this variant is likely to be disruptive. This variant has not been reported in the literature in individuals affected with NBAS-related conditions. This variant is not present in population databases (gnomAD no frequency). This sequence change replaces alanine, which is neutral and non-polar, with glutamic acid, which is acidic and polar, at codon 55 of the NBAS protein (p.Ala55Glu).